The following is an entry in ClinVar:

ClinVar aggregate classification (germline): Likely benign (0 of 4 stars; one submission).

Conditions:
KIDINS220-related disorder. Also called: KIDINS220-related condition.

gnomAD v4.1: 27 of 1,613,824 alleles (0.0017%); highest among the groups gnomAD compares: Middle Eastern, 0.016%; no homozygotes.

Submission:

PreventionGenetics, part of Exact Sciences
Classification: Likely benign for KIDINS220-related condition. Last evaluated: 2022-04-20. Review status: no assertion criteria provided. Collection method: clinical testing. Allele origin: germline.
Comment: This variant is classified as likely benign based on ACMG/AMP sequence variant interpretation guidelines (Richards et al. 2015 PMID: 25741868, with internal and published modifications).

NM_020738.4(KIDINS220):c.3708G>A (p.Thr1236=)

Gene: KIDINS220 (kinase D interacting substrate 220; minus strand). Cytogenetic location: 2p25.1.
Variant type: single nucleotide variant.
Coding change: c.3708G>A on transcript NM_020738.4 (MANE Select); coding-DNA position 3708, G replaced by A.
Protein change: p.Thr1236=; no amino-acid change (threonine 1236 retained).
Molecular consequence: synonymous variant. On other transcripts: non-coding transcript variant (2).
Genome position (GRCh38, 1-based): chr2:8,736,877, C>T on the plus strand (G>A on the coding strand, the complement: KIDINS220 is on the minus strand). VCF-style: chr2-8736877-C-T. GRCh37 (hg19) VCF-style: chr2-8877007-C-T.
Other names: c.3711G>A, p.Thr1237= (NM_001348729.2); c.3654G>A, p.Thr1218= (NM_001348731.2); c.3651G>A, p.Thr1217= (NM_001348732.2, NM_001348738.2); c.3540G>A, p.Thr1180= (NM_001348734.2, NM_001348739.2, NM_001348740.2); c.3537G>A, p.Thr1179= (NM_001348735.2, NM_001348741.2, NM_001348742.2 and 1 more transcripts); c.3411G>A, p.Thr1137= (NM_001348736.2).
Identifiers: ClinVar variation 3357020 (VCV003357020.1).